The following is an entry in ClinVar:

ClinVar aggregate classification (germline): Uncertain significance (1 of 4 stars; one submission).

Conditions:
Cortical dysplasia, complex, with other brain malformations 13. Also called: Intellectual disability, autosomal dominant 13. Identifiers: MedGen C3281202, MONDO:0013805, OMIM 614563.

Submission:

MGZ Medical Genetics Center
Classification: Uncertain significance for Cortical dysplasia, complex, with other brain malformations 13. Last evaluated: 2022-05-04. Review status: criteria provided, single submitter. Criteria: ACMG Guidelines, 2015. Collection method: clinical testing. Allele origin: germline. Affected: yes. Observed: 1 variant allele.
Comment: ACMG criteria applied: PM2_SUP, PP2, BP4

NM_001376.5(DYNC1H1):c.6058C>G (p.Pro2020Ala)

Gene: DYNC1H1 (dynein cytoplasmic 1 heavy chain 1; plus strand). Cytogenetic location: 14q32.31.
Variant type: single nucleotide variant.
Coding change: c.6058C>G on transcript NM_001376.5 (MANE Select); coding-DNA position 6058, C replaced by G.
Protein change: p.Pro2020Ala; replaces proline 2020 with alanine.
Molecular consequence: missense variant.
Genome position (GRCh38, 1-based): chr14:102,009,923, C>G. VCF-style: chr14-102009923-C-G. GRCh37 (hg19) VCF-style: chr14-102476260-C-G.
Other names: short protein forms P2020A.
Identifiers: ClinVar variation 1709387 (VCV001709387.2), dbSNP rs2503750846, ClinGen allele CA391052826.